The following is an entry in ClinVar:

NM_006904.7(PRKDC):c.709T>C (p.Ser237Pro)

Gene: PRKDC (protein kinase, DNA-activated, catalytic subunit; minus strand). Cytogenetic location: 8q11.21.
Variant type: single nucleotide variant.
Coding change: c.709T>C on transcript NM_006904.7 (MANE Select); coding-DNA position 709, T replaced by C.
Protein change: p.Ser237Pro; replaces serine 237 with proline.
Molecular consequence: missense variant.
Genome position (GRCh38, 1-based): chr8:47,953,632, A>G on the plus strand (T>C on the coding strand, the complement: PRKDC is on the minus strand). VCF-style: chr8-47953632-A-G. GRCh37 (hg19) VCF-style: chr8-48866192-A-G.
Other names: c.709T>C, p.Ser237Pro (NM_001081640.2); short protein forms S237P.
Identifiers: ClinVar variation 3225902 (VCV003225902.1), dbSNP rs2551881731, ClinGen allele CA371138172.

ClinVar aggregate classification (germline): Uncertain significance (1 of 4 stars; one submission).

Submission:

Ambry Genetics
Classification: Uncertain significance. Last evaluated: 2023-10-27. Review status: criteria provided, single submitter. Criteria: Ambry Variant Classification Scheme 2023. Collection method: clinical testing. Allele origin: germline.
Comment: The p.S237P variant (also known as c.709T>C), located in coding exon 7 of the PRKDC gene, results from a T to C substitution at nucleotide position 709. The serine at codon 237 is replaced by proline, an amino acid with similar properties. This amino acid position is conserved. In addition, this alteration is predicted to be tolerated by in silico analysis. Since supporting evidence is limited at this time, the clinical significance of this alteration remains unclear.